The following is an entry in ClinVar:

ClinVar aggregate classification (germline): Likely benign (1 of 4 stars; one submission).

gnomAD v4.1: 21 of 1,306,020 alleles (0.0016%); highest among the groups gnomAD compares: Admixed American, 0.026%; no homozygotes.

Submission:

CeGaT Center for Human Genetics Tuebingen
Classification: Likely benign. Last evaluated: 2026-04-01. Review status: criteria provided, single submitter. Criteria: CeGaT Center For Human Genetics Tuebingen Variant Classification Criteria Version 2. Collection method: clinical testing. Allele origin: germline. Affected: yes. Observed: 1 variant allele.
Comment: CUX1: BP4, BP7

NM_181552.4(CUX1):c.4344C>T (p.Ser1448=)

Gene: CUX1 (cut like homeobox 1; plus strand). Cytogenetic location: 7q22.1.
Variant type: single nucleotide variant.
Coding change: c.4344C>T on transcript NM_181552.4 (MANE Select); coding-DNA position 4344, C replaced by T.
Protein change: p.Ser1448=; no amino-acid change (serine 1448 retained).
Molecular consequence: synonymous variant. On other transcripts: intron variant (5).
Genome position (GRCh38, 1-based): chr7:102,248,868, C>T. VCF-style: chr7-102248868-C-T. GRCh37 (hg19) VCF-style: chr7-101892148-C-T.
Other names: c.4377C>T, p.Ser1459= (NM_001202543.2); c.1256-24498C>T (NM_001913.5); c.1250-24498C>T (NM_181500.4); c.1118-24498C>T (NM_001202545.3); c.1208-24498C>T (NM_001202544.3); c.1139-24498C>T (NM_001202546.3).
Identifiers: ClinVar variation 4873644 (VCV004873644.2).